The following is an entry in ClinVar:

ClinVar aggregate classification (germline): Uncertain significance (1 of 4 stars; one submission).

Conditions:
Epileptic encephalopathy. Identifiers: MedGen C0543888, HP:0200134.

gnomAD v4.1: 5 of 1,614,112 alleles (0.00031%); highest among the groups gnomAD compares: South Asian, 0.0055%; no homozygotes.

Submission:

Labcorp Genetics (formerly Invitae), Labcorp
Classification: Uncertain significance for Epileptic encephalopathy. Last evaluated: 2024-05-23. Review status: criteria provided, single submitter. Criteria: Invitae Variant Classification Sherloc (09022015). Collection method: clinical testing. Allele origin: germline.
Comment: This sequence change replaces aspartic acid, which is acidic and polar, with tyrosine, which is neutral and polar, at codon 836 of the GABBR2 protein (p.Asp836Tyr). This variant is present in population databases (rs773276862, gnomAD 0.01%). This variant has not been reported in the literature in individuals affected with GABBR2-related conditions. An algorithm developed to predict the effect of missense changes on protein structure and function (PolyPhen-2) suggests that this variant is likely to be tolerated. In summary, the available evidence is currently insufficient to determine the role of this variant in disease. Therefore, it has been classified as a Variant of Uncertain Significance.

NM_005458.8(GABBR2):c.2506G>T (p.Asp836Tyr)

Gene: GABBR2 (gamma-aminobutyric acid type B receptor subunit 2; minus strand). Cytogenetic location: 9q22.33.
Variant type: single nucleotide variant.
Coding change: c.2506G>T on transcript NM_005458.8 (MANE Select); coding-DNA position 2506, G replaced by T.
Protein change: p.Asp836Tyr; replaces aspartic acid 836 with tyrosine.
Molecular consequence: missense variant.
Genome position (GRCh38, 1-based): chr9:98,299,260, C>A on the plus strand (G>T on the coding strand, the complement: GABBR2 is on the minus strand). VCF-style: chr9-98299260-C-A. GRCh37 (hg19) VCF-style: chr9-101061542-C-A.
Other names: short protein forms D836Y.
Identifiers: ClinVar variation 3621333 (VCV003621333.2).